The following is an entry in ClinVar:

NM_018979.4(WNK1):c.415G>A (p.Ala139Thr)

Gene: WNK1 (WNK lysine deficient protein kinase 1; plus strand). Cytogenetic location: 12p13.33.
Variant type: single nucleotide variant.
Coding change: c.415G>A on transcript NM_018979.4 (MANE Select); coding-DNA position 415, G replaced by A.
Protein change: p.Ala139Thr; replaces alanine 139 with threonine.
Molecular consequence: missense variant.
Genome position (GRCh38, 1-based): chr12:753,980, G>A. VCF-style: chr12-753980-G-A. GRCh37 (hg19) VCF-style: chr12-863146-G-A.
Other names: c.415G>A, p.Ala139Thr (NM_213655.5, NM_001184985.2, NM_014823.3); short protein forms A139T.
Identifiers: ClinVar variation 4792163 (VCV004792163.1).

ClinVar aggregate classification (germline): Uncertain significance (1 of 4 stars; one submission).

Conditions:
Neuropathy, hereditary sensory and autonomic, type 2A (HSAN2A). Also called: ACROOSTEOLYSIS, GIACCAI TYPE; ACROOSTEOLYSIS, NEUROGENIC; MORVAN DISEASE; NEUROPATHY, CONGENITAL SENSORY; NEUROPATHY, HEREDITARY SENSORY RADICULAR, AUTOSOMAL RECESSIVE; NEUROPATHY, HEREDITARY SENSORY, TYPE IIA. Identifiers: Orphanet 970, MedGen C2752089, MONDO:0024309, OMIM 201300.
Pseudohypoaldosteronism type 2C (PHA2C). Also called: Pseudohypoaldosteronism Type IIC. Identifiers: Orphanet 757, Orphanet 88940, MedGen C1840391, MONDO:0013778, OMIM 614492.

Submission:

Labcorp Genetics (formerly Invitae), Labcorp
Classification: Uncertain significance for Neuropathy, hereditary sensory and autonomic, type 2A; Pseudohypoaldosteronism type 2C. Last evaluated: 2025-08-11. Review status: criteria provided, single submitter. Criteria: Invitae Variant Classification Sherloc (09022015). Collection method: clinical testing. Allele origin: germline.
Comment: This sequence change replaces alanine, which is neutral and non-polar, with threonine, which is neutral and polar, at codon 139 of the WNK1 protein (p.Ala139Thr). This variant is not present in population databases (gnomAD no frequency). This variant has not been reported in the literature in individuals affected with WNK1-related conditions. Invitae Evidence Modeling of protein sequence and biophysical properties (such as structural, functional, and spatial information, amino acid conservation, physicochemical variation, residue mobility, and thermodynamic stability) indicates that this missense variant is not expected to disrupt WNK1 protein function with a negative predictive value of 95%. In summary, the available evidence is currently insufficient to determine the role of this variant in disease. Therefore, it has been classified as a Variant of Uncertain Significance.